The following is an entry in ClinVar:

ClinVar aggregate classification (germline): Likely pathogenic (1 of 4 stars; one submission).

Submission:

Quest Diagnostics Nichols Institute San Juan Capistrano
Classification: Likely pathogenic. Last evaluated: 2023-08-09. Review status: criteria provided, single submitter. Criteria: Quest Diagnostics criteria. Collection method: clinical testing. Allele origin: unknown.
Comment: The BRCA1 c.3342del (p.Glu1115Lysfs*2) variant alters the translational reading frame of the BRCA1 mRNA and is predicted to cause the premature termination of BRCA1 protein synthesis. This variant has not been reported in individuals with BRCA1-related conditions in the published literature. This variant has not been reported in large, multi-ethnic general populations (Genome Aggregation Database). Based on the available information, this variant is classified as likely pathogenic.

NM_007294.4(BRCA1):c.3342del (p.Glu1115fs)

Genes: BRCA1 (BRCA1 DNA repair associated; minus strand), LOC126862571 (BRD4-independent group 4 enhancer GRCh37_chr17:41243136-41244335; plus strand). Cytogenetic location: 17q21.31.
Variant type: Deletion.
Coding change: c.3342del on transcript NM_007294.4 (MANE Select); coding-DNA position 3342, one base deleted (A; older notation c.3342delA).
Protein change: p.Glu1115fs; shifts the reading frame from glutamic acid 1115.
Molecular consequence: frameshift variant. On other transcripts: intron variant (137).
Genome position (GRCh38, 1-based): chr17:43,092,189, T deleted on the plus strand (A on the coding strand, the reverse complement: BRCA1 is on the minus strand); the first of 2 consecutive T bases (chr17:43,092,189-43,092,190); deleting either gives the same sequence. VCF-style (leftmost placement, unchanged base first): chr17-43092188-CT-C. GRCh37 (hg19) VCF-style: chr17-41244205-CT-C.
Other names: c.3075del, p.Glu1026fs (NM_001407930.1, NM_001407931.1, NM_001407932.1 and 2 more transcripts); c.3078del, p.Glu1027fs (NM_001407933.1, NM_001407935.1, NM_001407920.1 and 9 more transcripts); c.3219del, p.Glu1074fs (NM_001407937.1, NM_001407938.1, NM_001407939.1 and 19 more transcripts); c.3216del, p.Glu1073fs (NM_001407940.1, NM_001407941.1, NM_001407649.1 and 11 more transcripts); c.3201del, p.Glu1068fs (NM_001407942.1, NM_001407944.1, NM_001407945.1 and 29 more transcripts); c.3198del, p.Glu1067fs (NM_001407943.1, NM_001407964.1, NM_001407740.1 and 20 more transcripts); c.3009del, p.Glu1004fs (NM_001407946.1, NM_001407947.1, NM_001407948.1 and 6 more transcripts); c.3006del, p.Glu1003fs (NM_001407954.1, NM_001407955.1, NM_001407956.1 and 1 more transcripts); and 42 more; short protein forms E1003fs, E1004fs, E1026fs, E1027fs, E1044fs, E1045fs, E1047fs, E1048fs.
Identifiers: ClinVar variation 2681808 (VCV002681808.1), dbSNP rs2552152892, ClinGen allele CA2697559876.